The following is an entry in ClinVar:

ClinVar aggregate classification (germline): Benign/Likely benign. Review status: criteria provided, multiple submitters, no conflicts (2 of 4 stars). 9 submissions from 9 submitters: Benign (5); Likely benign (2). 2 of the submissions do not count toward it. Last evaluated 2026-02-01.

Conditions:
Sitosterolemia 1. Identifiers: MedGen C2749759, MONDO:0020747, OMIM 210250.
Cardiovascular phenotype. Identifiers: MedGen CN230736.

Allele frequency attached by ClinVar (database versions not stated): gnomAD 0.01336; ESP Exome Variant Server 0.01376; TOPMed 0.01554; 1000 Genomes Project 0.01817; 1000 Genomes Project 30x 0.02061.
gnomAD v4.1: 4,094 of 1,612,696 alleles (0.25%); highest among the groups gnomAD compares: African/African-American, 4.7%; 75 homozygotes.

Submissions (9):

Labcorp Genetics (formerly Invitae), Labcorp
Classification: Benign. Last evaluated: 2026-02-01. Review status: criteria provided, single submitter. Criteria: Invitae Variant Classification Sherloc (09022015). Collection method: clinical testing. Allele origin: germline.

Women's Health and Genetics/Laboratory Corporation of America, LabCorp
Classification: Likely benign. Last evaluated: 2025-10-03. Review status: criteria provided, single submitter. Criteria: LabCorp Variant Classification Summary - May 2015. Collection method: clinical testing. Allele origin: germline.
Comment: Variant summary: ABCG8 c.628G>A (p.Val210Met) results in a conservative amino acid change located in the ABC transporter-like, ATP-binding domain (IPR003439) of the encoded protein sequence. Algorithms developed to predict the effect of missense changes on protein structure and function all suggest that this variant is likely to be tolerated. The variant allele was found at a frequency of 0.0036 in 250926 control chromosomes, predominantly at a frequency of 0.048 within the African or African-American subpopulation in the gnomAD database, including 17 homozygotes. The observed variant frequency within African or African-American control individuals in the gnomAD database exceeds the estimated maximal expected allele frequency for disease-causing variants in ABCG8. c.628G>A has been reported in the literature in individual(s) affected with Early Onset Coronary Artery Disease as an Likely Benign change (Reeskamp_2020). These report(s) do not provide unequivocal conclusions about association of the variant with Early Onset Coronary Artery Disease. To our knowledge, no experimental evidence demonstrating an impact on protein function has been reported. The following publication have been ascertained in the context of this evaluation (PMID: 32088153). ClinVar contains an entry for this variant (Variation ID: 336070). Based on the evidence outlined above, the variant was classified as likely benign.

Blueprint Genetics
Classification: Likely benign. Last evaluated: 2024-11-25. Review status: criteria provided, single submitter. Criteria: ACMG Guidelines, 2015. Collection method: clinical testing. Allele origin: germline.

Mayo Clinic Laboratories, Mayo Clinic
Classification: Benign. Last evaluated: 2023-10-04. Review status: criteria provided, single submitter. Criteria: ACMG Guidelines, 2015. Collection method: clinical testing. Allele origin: germline. Observed: 23 variant alleles.
Comment: BS1, BS2, BP4

Ambry Genetics
Classification: Benign for Cardiovascular phenotype. Last evaluated: 2019-05-03. Review status: criteria provided, single submitter. Criteria: Ambry Variant Classification Scheme 2023. Collection method: clinical testing. Allele origin: germline.

Illumina Laboratory Services, Illumina
Classification: Benign for Sitosterolemia 1. Last evaluated: 2018-01-13. Review status: criteria provided, single submitter. Criteria: ICSL Variant Classification Criteria 13 December 2019. Collection method: clinical testing. Allele origin: germline.
Comment: This variant was observed in the ICSL laboratory as part of a predisposition screen in an ostensibly healthy population. It had not been previously curated by ICSL or reported in the Human Gene Mutation Database (HGMD: prior to June 1st, 2018), and was therefore a candidate for classification through an automated scoring system. Utilizing variant allele frequency, disease prevalence and penetrance estimates, and inheritance mode, an automated score was calculated to assess if this variant is too frequent to cause the disease. Based on the score and internal cut-off values, a variant classified as benign is not then subjected to further curation. The score for this variant resulted in a classification of benign for this disease.

Breakthrough Genomics
Classification: Benign. Review status: criteria provided, single submitter. Criteria: ACMG Guidelines, 2015. Collection method: not provided. Allele origin: germline. Inheritance: Autosomal recessive inheritance. Affected: yes.

Clinical Genetics, Academic Medical Center
Classification: Likely benign. Review status: no assertion criteria provided. Collection method: clinical testing. Allele origin: germline. Affected: yes. Study: VKGL Data-share Consensus. Not counted in ClinVar's aggregate classification.

Genome Diagnostics Laboratory, University Medical Center Utrecht
Classification: Benign. Review status: no assertion criteria provided. Collection method: clinical testing. Allele origin: germline. Affected: yes. Study: VKGL Data-share Consensus. Not counted in ClinVar's aggregate classification.

Literature cited by the submitters: PubMed 32088153 (cited by Women's Health and Genetics/Laboratory Corporation of America, LabCorp).

NM_022437.3(ABCG8):c.628G>A (p.Val210Met)

Gene: ABCG8 (ATP binding cassette subfamily G member 8; plus strand). Cytogenetic location: 2p21.
Variant type: single nucleotide variant.
Coding change: c.628G>A on transcript NM_022437.3 (MANE Select); coding-DNA position 628, G replaced by A.
Protein change: p.Val210Met; replaces valine 210 with methionine.
Molecular consequence: missense variant.
Genome position (GRCh38, 1-based): chr2:43,852,420, G>A. VCF-style: chr2-43852420-G-A. GRCh37 (hg19) VCF-style: chr2-44079559-G-A.
Other names: c.628G>A, p.Val210Met (NM_001357321.2); short protein forms V210M.
Identifiers: ClinVar variation 336070 (VCV000336070.23), dbSNP rs9282574, ClinGen allele CA1637095.